The following is an entry in ClinVar:

ClinVar aggregate classification (germline): Uncertain significance (1 of 4 stars; one submission).

Submission:

GeneDx
Classification: Uncertain significance. Last evaluated: 2022-11-29. Review status: criteria provided, single submitter. Criteria: GeneDx Variant Classification Process June 2021. Collection method: clinical testing. Allele origin: germline. Affected: yes.
Comment: Not observed at significant frequency in large population cohorts (gnomAD); In silico analysis supports that this missense variant has a deleterious effect on protein structure/function; Has not been previously published as pathogenic or benign to our knowledge

NM_015559.3(SETBP1):c.3059G>T (p.Gly1020Val)

Gene: SETBP1 (SET binding protein 1; plus strand). Cytogenetic location: 18q12.3.
Variant type: single nucleotide variant.
Coding change: c.3059G>T on transcript NM_015559.3 (MANE Select); coding-DNA position 3059, G replaced by T.
Protein change: p.Gly1020Val; replaces glycine 1020 with valine.
Molecular consequence: missense variant.
Genome position (GRCh38, 1-based): chr18:44,952,399, G>T. VCF-style: chr18-44952399-G-T. GRCh37 (hg19) VCF-style: chr18-42532364-G-T.
Other names: c.3059G>T, p.Gly1020Val (NM_001379141.1, NM_001379142.1, NM_001410862.1); short protein forms G1020V.
Identifiers: ClinVar variation 2503161 (VCV002503161.1), dbSNP rs2511474392, ClinGen allele CA402323109.
Genomic context (GRCh38, chr18:44,952,399, plus strand): 5'-AGTATGACCCGTTGCTCTATCTTCGTAGGACTTCAGACTTGAAGTCAAAGAAGAAGCGTG[G>T]TAGGCCTGCAAAAACCAATGACACCATGACAAAGGTGCCTTTTTTACAAGGGTTCAGCTA-3'
Protein context (NP_056374.2, residues 1010-1030): TSDLKSKKKR[Gly1020Val]RPAKTNDTMT